The following is an entry in ClinVar:

ClinVar aggregate classification (germline): Uncertain significance (1 of 4 stars; one submission).

Conditions:
Tietz syndrome (TADS). Also called: ALBINISM-DEAFNESS OF TIETZ; HYPOPIGMENTATION/DEAFNESS OF TIETZ; TIETZ ALBINISM-DEAFNESS SYNDROME. Identifiers: Orphanet 42665, MedGen C0391816, MONDO:0007077, OMIM 103500.
Waardenburg syndrome type 2A (WS2A). Also called: WAARDENBURG SYNDROME WITHOUT DYSTOPIA CANTHORUM. Identifiers: Orphanet 3440, MedGen C1860339, MONDO:0008671, OMIM 193510.
Melanoma, cutaneous malignant, susceptibility to, 8. Also called: MELANOMA AND RENAL CELL CARCINOMA, SUSCEPTIBILITY TO; Cutaneous malignant melanoma 8. Identifiers: Orphanet 293822, MedGen C3152204, MONDO:0013759, OMIM 614456.

gnomAD v4.1: 2 of 1,614,192 alleles (0.00012%); highest among the groups gnomAD compares: South Asian, 0.0022%; no homozygotes.

Submission:

Labcorp Genetics (formerly Invitae), Labcorp
Classification: Uncertain significance for Melanoma, cutaneous malignant, susceptibility to, 8; Waardenburg syndrome type 2A; Tietz syndrome. Last evaluated: 2023-12-09. Review status: criteria provided, single submitter. Criteria: Invitae Variant Classification Sherloc (09022015). Collection method: clinical testing. Allele origin: germline.
Comment: This sequence change replaces proline, which is neutral and non-polar, with threonine, which is neutral and polar, at codon 64 of the MITF protein (p.Pro64Thr). This variant is not present in population databases (gnomAD no frequency). This variant has not been reported in the literature in individuals affected with MITF-related conditions. Advanced modeling of protein sequence and biophysical properties (such as structural, functional, and spatial information, amino acid conservation, physicochemical variation, residue mobility, and thermodynamic stability) performed at Invitae indicates that this missense variant is not expected to disrupt MITF protein function with a negative predictive value of 80%. In summary, the available evidence is currently insufficient to determine the role of this variant in disease. Therefore, it has been classified as a Variant of Uncertain Significance.

NM_001354604.2(MITF):c.511C>A (p.Pro171Thr)

Gene: MITF (melanocyte inducing transcription factor; plus strand). Cytogenetic location: 3p13.
Variant type: single nucleotide variant.
Coding change: c.511C>A on transcript NM_001354604.2 (MANE Select); coding-DNA position 511, C replaced by A.
Protein change: p.Pro171Thr; replaces proline 171 with threonine.
Molecular consequence: missense variant. On other transcripts: intron variant (1).
Genome position (GRCh38, 1-based): chr3:69,937,978, C>A. VCF-style: chr3-69937978-C-A. GRCh37 (hg19) VCF-style: chr3-69987129-C-A.
Other names: c.190C>A, p.Pro64Thr (NM_000248.4, NM_001184968.2, NM_198158.3); c.355C>A, p.Pro119Thr (NM_001184967.2, NM_001354608.2); c.508C>A, p.Pro170Thr (NM_001354605.2, NM_001354606.2, NM_006722.3); c.460C>A, p.Pro154Thr (NM_001354607.2); c.511C>A, p.Pro171Thr (NM_198159.3); c.463C>A, p.Pro155Thr (NM_198177.3); c.93+97C>A (NM_198178.3); short protein forms P155T, P170T, P119T, P154T, P171T, P64T.
Identifiers: ClinVar variation 2948516 (VCV002948516.3), dbSNP rs769340810, ClinGen allele CA353560596.